The following is an entry in ClinVar:

ClinVar aggregate classification (germline): Uncertain significance (1 of 4 stars; one submission).

Conditions:
Neurodegeneration with brain iron accumulation 5 (NBIA5). Also called: STATIC ENCEPHALOPATHY OF CHILDHOOD WITH NEURODEGENERATION IN ADULTHOOD; Beta-propeller protein-associated neurodegeneration. Identifiers: Orphanet 329284, MedGen C3550973, MONDO:0010476, OMIM 300894.

Submission:

3billion
Classification: Uncertain significance for Neurodegeneration with brain iron accumulation 5. Last evaluated: 2025-08-20. Review status: criteria provided, single submitter. Criteria: ACMG Guidelines, 2015. Collection method: clinical testing. Allele origin: germline. Affected: yes.
Comment: The variant is not observed in the gnomAD v4.1.0 dataset. Predicted Consequence/Location: Intron variant In silico tools predict the variant to alter splicing and produce an abnormal transcript [SpliceAI: 0.22 (>=0.2, moderate evidence for spliceogenicity)]. Therefore, this variant is classified as VUS according to the recommendation of ACMG/AMP guideline.

NM_001029896.2(WDR45):c.341+23T>C

Gene: WDR45 (WD repeat domain 45; minus strand). Cytogenetic location: Xp11.23.
Variant type: single nucleotide variant.
Coding change: c.341+23T>C on transcript NM_001029896.2 (MANE Select); 23 bases into the intron after coding-DNA position 341, T replaced by C.
Molecular consequence: intron variant.
Genome position (GRCh38, 1-based): chrX:49,076,622, A>G on the plus strand (T>C on the coding strand, the complement: WDR45 is on the minus strand). VCF-style: chrX-49076622-A-G. GRCh37 (hg19) VCF-style: chrX-48934281-A-G.
Other names: c.344+23T>C (NM_007075.4).
Identifiers: ClinVar variation 4855278 (VCV004855278.1).